The following is an entry in ClinVar:

ClinVar aggregate classification (germline): Benign. Review status: criteria provided, multiple submitters, no conflicts (2 of 4 stars). 3 submissions from 3 submitters: Benign (3). Last evaluated 2026-02-01.

Conditions:
Sucrase-isomaltase deficiency (CSID). Also called: SI DEFICIENCY; Deficiency of isomaltase; Congenital sucrose isomaltose malabsorption; Sucrose isomaltose enzyme deficiency. Identifiers: Orphanet 35122, MedGen C1283620, MONDO:0009114, OMIM 222900.

Allele frequency attached by ClinVar (database versions not stated): gnomAD exomes 0.00520 and 0.01375; ExAC 0.01660; gnomAD 0.05250 and 0.05635; 1000 Genomes Project 0.05471; 1000 Genomes Project 30x 0.05762; ESP Exome Variant Server 0.05928; TOPMed 0.06057.
gnomAD v4.1: 15,934 of 1,611,202 alleles (0.99%); highest among the groups gnomAD compares: African/African-American, 19%; 1,345 homozygotes.

Submissions (3):

Labcorp Genetics (formerly Invitae), Labcorp
Classification: Benign. Last evaluated: 2026-02-01. Review status: criteria provided, single submitter. Criteria: Invitae Variant Classification Sherloc (09022015). Collection method: clinical testing. Allele origin: germline.

Illumina Laboratory Services, Illumina
Classification: Benign for Sucrase-isomaltase deficiency. Last evaluated: 2018-01-13. Review status: criteria provided, single submitter. Criteria: ICSL Variant Classification Criteria 13 December 2019. Collection method: clinical testing. Allele origin: germline.
Comment: This variant was observed in the ICSL laboratory as part of a predisposition screen in an ostensibly healthy population. It had not been previously curated by ICSL or reported in the Human Gene Mutation Database (HGMD: prior to June 1st, 2018), and was therefore a candidate for classification through an automated scoring system. Utilizing variant allele frequency, disease prevalence and penetrance estimates, and inheritance mode, an automated score was calculated to assess if this variant is too frequent to cause the disease. Based on the score and internal cut-off values, a variant classified as benign is not then subjected to further curation. The score for this variant resulted in a classification of benign for this disease.

Breakthrough Genomics
Classification: Benign. Review status: criteria provided, single submitter. Criteria: ACMG Guidelines, 2015. Collection method: not provided. Allele origin: germline. Inheritance: Autosomal recessive inheritance. Affected: yes.

NM_001041.4(SI):c.4779T>C (p.Phe1593=)

Gene: SI (sucrase-isomaltase; minus strand). Cytogenetic location: 3q26.1.
Variant type: single nucleotide variant.
Coding change: c.4779T>C on transcript NM_001041.4 (MANE Select); coding-DNA position 4779, T replaced by C.
Protein change: p.Phe1593=; no amino-acid change (phenylalanine 1593 retained).
Molecular consequence: synonymous variant.
Genome position (GRCh38, 1-based): chr3:164,994,319, A>G on the plus strand (T>C on the coding strand, the complement: SI is on the minus strand). VCF-style: chr3-164994319-A-G. GRCh37 (hg19) VCF-style: chr3-164712107-A-G.
Identifiers: ClinVar variation 344008 (VCV000344008.14), dbSNP rs78428100, ClinGen allele CA2689793.